The following is an entry in ClinVar:

ClinVar aggregate classification (germline): Uncertain significance. Review status: criteria provided, multiple submitters, no conflicts (2 of 4 stars). 2 submissions from 2 submitters: Uncertain significance (2). Last evaluated 2025-11-25.

Allele frequency attached by ClinVar (database versions not stated): ExAC 0.00002; TOPMed 0.00001; gnomAD 0.00002.

Submissions (2):

Ambry Genetics
Classification: Uncertain significance. Last evaluated: 2025-11-25. Review status: criteria provided, single submitter. Criteria: Ambry Variant Classification Scheme 2023. Collection method: clinical testing. Allele origin: germline.

Labcorp Genetics (formerly Invitae), Labcorp
Classification: Uncertain significance. Last evaluated: 2022-07-27. Review status: criteria provided, single submitter. Criteria: Invitae Variant Classification Sherloc (09022015). Collection method: clinical testing. Allele origin: germline.
Comment: This sequence change replaces serine, which is neutral and polar, with leucine, which is neutral and non-polar, at codon 264 of the HJV protein (p.Ser264Leu). This variant is present in population databases (rs782576713, gnomAD 0.006%). This variant has not been reported in the literature in individuals affected with HJV-related conditions. Algorithms developed to predict the effect of missense changes on protein structure and function (SIFT, PolyPhen-2, Align-GVGD) all suggest that this variant is likely to be tolerated. In summary, the available evidence is currently insufficient to determine the role of this variant in disease. Therefore, it has been classified as a Variant of Uncertain Significance.

NM_213653.4(HJV):c.791C>T (p.Ser264Leu)

Gene: HJV (hemojuvelin BMP co-receptor; minus strand). Cytogenetic location: 1q21.1.
Variant type: single nucleotide variant.
Coding change: c.791C>T on transcript NM_213653.4 (MANE Select); coding-DNA position 791, C replaced by T.
Protein change: p.Ser264Leu; replaces serine 264 with leucine.
Molecular consequence: missense variant.
Genome position (GRCh38, 1-based): chr1:146,018,567, G>A on the plus strand (C>T on the coding strand, the complement: HJV is on the minus strand). VCF-style: chr1-146018567-G-A. GRCh37 (hg19) VCF-style: chr1-145416446-C-T.
Other names: c.791C>T (NM_213653.3); c.113C>T, p.Ser38Leu (NM_001316767.2, NM_202004.4, NM_213652.4); c.791C>T, p.Ser264Leu (NM_001379352.1); c.452C>T, p.Ser151Leu (NM_145277.5); short protein forms S264L, S151L, S38L.
Identifiers: ClinVar variation 2044335 (VCV002044335.3), dbSNP rs782576713, ClinGen allele CA1053894.
Genomic context (GRCh38, chr1:146,018,567, plus strand): 5'-GTTGTGCCAATGTAGGCAGCTTGGATCTCCACATGGTTCCCAGGGTTAGCAGTTTGAATC[G>A]ACAAACTGGATCCCCCAGGTCGGTCACCTCCATTGATAGAACCATCTTCAAAGGCTACAG-3'
Protein context (NP_998818.1, residues 254-274): GGDRPGGSSL[Ser264Leu]IQTANPGNHV